The following is an entry in ClinVar:

ClinVar aggregate classification (germline): Uncertain significance. Review status: criteria provided, multiple submitters, no conflicts (2 of 4 stars). 3 submissions from 3 submitters: Uncertain significance (3). Last evaluated 2022-05-27.

Conditions:
Hereditary cancer-predisposing syndrome. Also called: Hereditary neoplastic syndrome; Tumor predisposition; Hereditary Cancer Syndrome; Neoplastic Syndromes, Hereditary. Identifiers: Orphanet 140162, MedGen C0027672, MeSH D009386, MONDO:0015356.
Familial cancer of breast. Also called: hereditary breast carcinoma; Hereditary breast cancer; BREAST CANCER, FAMILIAL. Identifiers: Orphanet 227535, MedGen C0346153, MONDO:0016419, OMIM 114480. Disease mechanism: loss of function.

Submissions (3):

Labcorp Genetics (formerly Invitae), Labcorp
Classification: Uncertain significance for Familial cancer of breast. Last evaluated: 2022-05-27. Review status: criteria provided, single submitter. Criteria: Invitae Variant Classification Sherloc (09022015). Collection method: clinical testing. Allele origin: germline.
Comment: This sequence change replaces aspartic acid, which is acidic and polar, with glycine, which is neutral and non-polar, at codon 126 of the CHEK2 protein (p.Asp126Gly). In summary, the available evidence is currently insufficient to determine the role of this variant in disease. Therefore, it has been classified as a Variant of Uncertain Significance. Algorithms developed to predict the effect of missense changes on protein structure and function are either unavailable or do not agree on the potential impact of this missense change (SIFT: "Deleterious"; PolyPhen-2: "Possibly Damaging"; Align-GVGD: "Class C0"). ClinVar contains an entry for this variant (Variation ID: 220477). This variant has not been reported in the literature in individuals affected with CHEK2-related conditions. This variant is not present in population databases (gnomAD no frequency).

Ambry Genetics
Classification: Uncertain significance for Hereditary cancer-predisposing syndrome. Last evaluated: 2021-09-26. Review status: criteria provided, single submitter. Criteria: Ambry Variant Classification Scheme 2023. Collection method: clinical testing. Allele origin: germline.
Comment: The p.D126G variant (also known as c.377A>G), located in coding exon 2 of the CHEK2 gene, results from an A to G substitution at nucleotide position 377. The aspartic acid at codon 126 is replaced by glycine, an amino acid with similar properties. This amino acid position is conserved. In addition, the in silico prediction for this alteration is inconclusive. Since supporting evidence is limited at this time, the clinical significance of this alteration remains unclear.

GeneDx
Classification: Uncertain significance. Last evaluated: 2019-02-22. Review status: criteria provided, single submitter. Criteria: GeneDx Variant Classification Process June 2021. Collection method: clinical testing. Allele origin: germline. Affected: yes.
Comment: Not observed in large population cohorts (Lek 2016); In silico analysis, which includes protein predictors and evolutionary conservation, supports a deleterious effect; Has not been previously published as pathogenic or benign to our knowledge

NM_007194.4(CHEK2):c.377A>G (p.Asp126Gly)

Gene: CHEK2 (checkpoint kinase 2; minus strand). Cytogenetic location: 22q12.1.
Variant type: single nucleotide variant.
Coding change: c.377A>G on transcript NM_007194.4 (MANE Select); coding-DNA position 377, A replaced by G.
Protein change: p.Asp126Gly; replaces aspartic acid 126 with glycine.
Molecular consequence: missense variant.
Genome position (GRCh38, 1-based): chr22:28,725,310, T>C on the plus strand (A>G on the coding strand, the complement: CHEK2 is on the minus strand). VCF-style: chr22-28725310-T-C. GRCh37 (hg19) VCF-style: chr22-29121298-T-C.
Other names: c.506A>G, p.Asp169Gly (NM_001005735.3); c.-401A>G (NM_001257387.3); c.377A>G, p.Asp126Gly (NM_001349956.3, NM_145862.3); short protein forms D126G, D169G.
Identifiers: ClinVar variation 220477 (VCV000220477.13), dbSNP rs864622541, ClinGen allele CA348237.